The following is an entry in ClinVar:

NM_007279.3(U2AF2):c.445C>T (p.Arg149Trp)

Gene: U2AF2 (U2 small nuclear RNA auxiliary factor 2; plus strand). Cytogenetic location: 19q13.42.
Variant type: single nucleotide variant.
Coding change: c.445C>T on transcript NM_007279.3 (MANE Select); coding-DNA position 445, C replaced by T.
Protein change: p.Arg149Trp; replaces arginine 149 with tryptophan.
Molecular consequence: missense variant.
Genome position (GRCh38, 1-based): chr19:55,661,148, C>T. VCF-style: chr19-55661148-C-T. GRCh37 (hg19) VCF-style: chr19-56172514-C-T.
Other names: U2AF2, ARG149TRP; c.445C>T (NM_007279.2); c.445C>T, p.Arg149Trp (NM_001012478.2); short protein forms R149W.
Identifiers: ClinVar variation 1470385 (VCV001470385.11), dbSNP rs1600073584, ClinGen allele CA407561980.

ClinVar aggregate classification (germline): Pathogenic. Review status: criteria provided, multiple submitters, no conflicts (2 of 4 stars). 6 submissions from 6 submitters: Pathogenic (5). 1 of the submissions does not count toward it. Last evaluated 2026-04-23.

Conditions:
Inborn genetic diseases. Identifiers: MedGen C0950123, MeSH D030342.
Developmental delay, dysmorphic facies, and brain anomalies. Identifiers: MedGen C5882698, MONDO:0957810, OMIM 620535.

Submissions (6):

Kasturba Medical College, Manipal, Kasturba Medical College, Manipal, Manipal Academy of Higher Education, Manipal, India
Classification: Pathogenic for Developmental delay, dysmorphic facies, and brain anomalies. Last evaluated: 2026-04-23. Review status: criteria provided, single submitter. Criteria: ACMG Guidelines, 2015. Collection method: research. Allele origin: de novo. Inheritance: Autosomal dominant inheritance. Affected: yes. Observed: 1 variant allele, 1 heterozygote.
Comment: The variant c.445C>T is absent in the gnomAD (v4.1.0) population database, and in our in-house data of 4194 exomes. In-silico analysis tools (REVEL and CADD_phred) predict the variant to be damaging to the U2AF2 protein function.

GeneDx
Classification: Pathogenic. Last evaluated: 2026-01-23. Review status: criteria provided, single submitter. Criteria: GeneDx Variant Classification Process June 2021. Collection method: clinical testing. Allele origin: germline.
Comment: Published functional studies suggest a damaging effect through a partial loss of function (PMID: 37962958); Not observed at significant frequency in large population cohorts (gnomAD); In silico analysis supports that this missense variant has a deleterious effect on protein structure/function; This variant is associated with the following publications: (PMID: 33057194, 35982159, 31785789, 34439083, 36410474, 34112922, 28135719, 37092751, 38856638, 37962958)

Labcorp Genetics (formerly Invitae), Labcorp
Classification: Pathogenic. Last evaluated: 2026-01-15. Review status: criteria provided, single submitter. Criteria: Invitae Variant Classification Sherloc (09022015). Collection method: clinical testing. Allele origin: germline.
Comment: This sequence change replaces arginine, which is basic and polar, with tryptophan, which is neutral and slightly polar, at codon 149 of the U2AF2 protein (p.Arg149Trp). This variant is not present in population databases (gnomAD no frequency). This missense change has been observed in individual(s) with clinical features of U2AF2-related conditions (PMID: 37092751; internal data). In at least one individual the variant was observed to be de novo. ClinVar contains an entry for this variant (Variation ID: 1470385). An algorithm developed to predict the effect of missense changes on protein structure and function (PolyPhen-2) suggests that this variant is likely to be disruptive. For these reasons, this variant has been classified as Pathogenic.

Ambry Genetics
Classification: Pathogenic for Inborn genetic diseases. Last evaluated: 2024-05-17. Review status: criteria provided, single submitter. Criteria: Ambry Variant Classification Scheme 2023. Collection method: clinical testing. Allele origin: germline.
Comment: The c.445C>T (p.R149W) alteration is located in exon 5 (coding exon 5) of the U2AF2 gene. This alteration results from a C to T substitution at nucleotide position 445, causing the arginine (R) at amino acid position 149 to be replaced by a tryptophan (W). This variant was not reported in population-based cohorts in the Genome Aggregation Database (gnomAD). This variant was reported de novo in multiple individuals with features consistent with U2AF2-related neurodevelopmental disorder (Hiraide, 2021; Kittock, 2023; Li, 2024). Additionally, another alteration at the same codon, c.446G>A (p.R149Q), was reported de novo in multiple individuals with features consistent with U2AF2-related neurodevelopmental disorder (Li, 2024). This amino acid position is highly conserved in available vertebrate species. This missense alteration is located in a region that has a low rate of benign missense variation (Lek, 2016; Firth, 2009). The in silico prediction for this alteration is inconclusive. Based on the available evidence, this alteration is classified as pathogenic.

Institute of Human Genetics, Clinical Exome/Genome Diagnostics Group, University Hospital Bonn
Classification: Pathogenic for Developmental delay, dysmorphic facies, and brain anomalies. Last evaluated: 2023-09-13. Review status: criteria provided, single submitter. Criteria: ACMG Guidelines, 2015. Collection method: clinical testing. Allele origin: de novo. Affected: yes.

OMIM
Classification: Pathogenic for DEVELOPMENTAL DELAY, DYSMORPHIC FACIES, AND BRAIN ANOMALIES. Last evaluated: 2023-10-09. Review status: no assertion criteria provided. Collection method: literature only. Allele origin: germline. Not counted in ClinVar's aggregate classification.

Literature cited by the submitters: PubMed 37962958 (cited by Kasturba Medical College, Manipal, Kasturba Medical College, Manipal, Manipal Academy of Higher Education, Manipal, India and Ambry Genetics); PubMed 34112922 (cited by 3 submitters); PubMed 37092751 (cited by 3 submitters).